The following is an entry in ClinVar:

ClinVar aggregate classification (germline): Conflicting classifications of pathogenicity. Review status: criteria provided, conflicting classifications (1 of 4 stars). 2 submissions from 2 submitters: Uncertain significance (1); Likely benign (1). Last evaluated 2025-12-04.

Conditions:
Hypokalemic periodic paralysis, type 1. Also called: HypoPP; Hypokalemic Periodic Paralysis Type 1 (AD). Identifiers: Orphanet 681, MedGen C3714580, MONDO:0042979, OMIM 170400.
Malignant hyperthermia, susceptibility to, 5 (MHS5). Also called: CACNA1S-Related Malignant Hyperthermia Susceptibility. Identifiers: Orphanet 423, MedGen C1866077, MONDO:0011163, OMIM 601887.

Allele frequency attached by ClinVar (database versions not stated): TOPMed below 0.00001; gnomAD 0.00001; gnomAD exomes 0.00001; ExAC 0.00002; 1000 Genomes Project 30x 0.00016; 1000 Genomes Project 0.00020.
gnomAD v4.1: 20 of 1,613,302 alleles (0.0012%); highest among the groups gnomAD compares: Middle Eastern, 0.016%; no homozygotes.

Submissions (2):

Labcorp Genetics (formerly Invitae), Labcorp
Classification: Likely benign for Hypokalemic periodic paralysis, type 1; Malignant hyperthermia, susceptibility to, 5. Last evaluated: 2025-12-04. Review status: criteria provided, single submitter. Criteria: Invitae Variant Classification Sherloc (09022015). Collection method: clinical testing. Allele origin: germline.

Color Diagnostics, LLC DBA Color Health
Classification: Uncertain significance for Malignant hyperthermia, susceptibility to, 5. Last evaluated: 2025-07-18. Review status: criteria provided, single submitter. Criteria: ACMG Guidelines, 2015. Collection method: clinical testing. Allele origin: germline.
Comment: This missense variant replaces arginine with tryptophan at codon 364 of the CACNA1S protein. Computational prediction is inconclusive regarding the impact of this variant on protein structure and function. To our knowledge, functional studies have not been reported for this variant. This variant has not been reported in individuals affected with autosomal dominant malignant hyperthermia in the literature, although it is associated with other phenotypes (PMID: 30325262). This variant has been identified in 7/251496 chromosomes in the general population by the Genome Aggregation Database (gnomAD). The available evidence is insufficient to determine the role of this variant in disease conclusively. Therefore, this variant is classified as a Variant of Uncertain Significance.

Literature cited by the submitters: PubMed 30325262 (cited by Color Diagnostics, LLC DBA Color Health).

NM_000069.3(CACNA1S):c.1090C>T (p.Arg364Trp)

Gene: CACNA1S (calcium voltage-gated channel subunit alpha1 S; minus strand). Cytogenetic location: 1q32.1.
Variant type: single nucleotide variant.
Coding change: c.1090C>T on transcript NM_000069.3 (MANE Select); coding-DNA position 1090, C replaced by T.
Protein change: p.Arg364Trp; replaces arginine 364 with tryptophan.
Molecular consequence: missense variant.
Genome position (GRCh38, 1-based): chr1:201,085,496, G>A on the plus strand (C>T on the coding strand, the complement: CACNA1S is on the minus strand). VCF-style: chr1-201085496-G-A. GRCh37 (hg19) VCF-style: chr1-201054624-G-A.
Other names: short protein forms R364W.
Identifiers: ClinVar variation 2037118 (VCV002037118.5), dbSNP rs529038948, ClinGen allele CA077941.